The following is an entry in ClinVar:

ClinVar aggregate classification (germline): Pathogenic/Likely pathogenic. Review status: criteria provided, multiple submitters, no conflicts (2 of 4 stars). 6 submissions from 6 submitters: Pathogenic (1); Likely pathogenic (4). 1 of the submissions does not count toward it. Last evaluated 2026-01-16.

Conditions:
Monogenic hearing loss.
Autosomal dominant nonsyndromic hearing loss 22. Also called: DFNA 22; Autosomal dominant nonsyndromic deafness 22. Identifiers: Orphanet 228012, MedGen C2931767, MONDO:0011660, OMIM 606346.

Allele frequency attached by ClinVar (database versions not stated): gnomAD exomes below 0.00001 and 0.00001; TOPMed below 0.00001.
gnomAD v4.1: 8 of 1,614,096 alleles (0.0005%); highest among the groups gnomAD compares: Admixed American, 0.0017%; no homozygotes.

Submissions (6):

Genetics Laboratory, Great Ormond Street Hospital NHS Foundation Trust, North Thames Genomic Laboratory Hub
Classification: Likely pathogenic for Monogenic hearing loss. Last evaluated: 2026-01-16. Review status: criteria provided, single submitter. Criteria: ACGS Best Practice Guidelines for Variant Classification in Rare Disease 2024 v1.2. Collection method: clinical testing. Allele origin: germline. Affected: yes.
Comment: PS4_moderate, PM2_moderate, PP3_supporting, PP1_strong

North West Genomic Laboratory Hub, Manchester University NHS Foundation Trust
Classification: Likely pathogenic for Monogenic hearing loss. Last evaluated: 2025-11-26. Review status: criteria provided, single submitter. Criteria: ACGS Best Practice Guidelines for Variant Classification in Rare Disease 2024. Collection method: clinical testing. Allele origin: germline. Affected: yes.
Comment: PM2_Mod PP3_Supp PP1_Mod PS4_Mod

GeneDx
Classification: Likely pathogenic. Last evaluated: 2025-11-07. Review status: criteria provided, single submitter. Criteria: GeneDx Variant Classification Process June 2021. Collection method: clinical testing. Allele origin: germline. Affected: yes.
Comment: In silico analysis supports that this missense variant has a deleterious effect on protein structure/function; Not observed at significant frequency in large population cohorts (gnomAD); This variant is associated with the following publications: (PMID: 18348273, 18212818, 23635807, 12687499, 24123792, 33710140, 28000701, 38400873, 35661827, 39019031, 34599366, 23340379)

Labcorp Genetics (formerly Invitae), Labcorp
Classification: Pathogenic. Last evaluated: 2024-07-31. Review status: criteria provided, single submitter. Criteria: Invitae Variant Classification Sherloc (09022015). Collection method: clinical testing. Allele origin: germline.
Comment: This sequence change replaces arginine, which is basic and polar, with tryptophan, which is neutral and slightly polar, at codon 1204 of the MYO6 protein (p.Arg1204Trp). This variant is present in population databases (no rsID available, gnomAD 0.003%). This missense change has been observed in individual(s) with deafness (PMID: 23340379, 33710140). It has also been observed to segregate with disease in related individuals. ClinVar contains an entry for this variant (Variation ID: 228996). Advanced modeling of protein sequence and biophysical properties (such as structural, functional, and spatial information, amino acid conservation, physicochemical variation, residue mobility, and thermodynamic stability) performed at Invitae indicates that this missense variant is expected to disrupt MYO6 protein function with a positive predictive value of 80%. For these reasons, this variant has been classified as Pathogenic.

Precision Medicine Center, Zhengzhou University
Classification: Likely pathogenic for Autosomal dominant nonsyndromic hearing loss 22. Last evaluated: 2006-06-30. Review status: criteria provided, single submitter. Criteria: ClinGen HL ACMG Specifications v1. Collection method: clinical testing. Allele origin: paternal. Affected: yes.
Comment: PP1_strong+PM2+PS4_supporting+PP3:The MYO6 c.3610C>T variant is absent or extremely rare in population databases, including gnomAD, supporting its rarity in the general population (PM2). Multiple in silico prediction algorithms consistently predict that this missense variant has a deleterious effect on protein function (PP3). Segregation in eight affected relatives for dominant (PP1_Strong). In addition, the variant has been identified in multiple unrelated affected individuals with MYO6-related hearing loss, supporting enrichment in cases compared with controls (PMID: 23340379)(PS4_Supporting). The associated clinical phenotype is highly consistent with MYO6-related hearing loss (PP4, if applicable within your dataset interpretation framework). Based on the ACMG/AMP guidelines, this variant meets the criteria PP1_Strong, PM2, PS4_Supporting, and PP3, and is therefore classified as Likely Pathogenic.

Laboratory for Molecular Medicine, Mass General Brigham Personalized Medicine
Classification: Uncertain significance. Last evaluated: 2015-02-04. Review status: flagged submission. Criteria: LMM Criteria. Collection method: clinical testing. Allele origin: germline. Observed: 1 variant allele. Not counted in ClinVar's aggregate classification.
Comment: Variant classified as Uncertain Significance - Favor Pathogenic. However, thre e unaffected individuals under or around the reported mean age of onset (38 yrs) also carried the variant, and the proband in this family had a different phenot ype than the other 9 affected family members with a much earlier age of onset an d more severe hearing impairment. This variant was absent from large population studies. Computational prediction tools and conservation analyses suggest that t he Arg1204Trp variant may impact the protein, though this information is not pre dictive enough to determine pathogenicity. In summary, while there is some suspi cion for a pathogenic role, the clinical significance of this variant is uncerta in due to inconsistencies in the segregation and age of onset reported for the D utch family described above.
ClinVar note: Reason: Older claim that does not account for recent evidence

Literature cited by the submitters: PubMed 23340379 (cited by 3 submitters); PubMed 33710140 (cited by Labcorp Genetics (formerly Invitae), Labcorp); PubMed 24123792 (cited by Laboratory for Molecular Medicine, Mass General Brigham Personalized Medicine); PubMed 12687499 (cited by Laboratory for Molecular Medicine, Mass General Brigham Personalized Medicine); PubMed 18348273 (cited by Laboratory for Molecular Medicine, Mass General Brigham Personalized Medicine); PubMed 23635807 (cited by Laboratory for Molecular Medicine, Mass General Brigham Personalized Medicine); PubMed 18212818 (cited by Laboratory for Molecular Medicine, Mass General Brigham Personalized Medicine).

NM_004999.4(MYO6):c.3610C>T (p.Arg1204Trp)

Gene: MYO6 (myosin VI; plus strand). Cytogenetic location: 6q14.1.
Variant type: single nucleotide variant.
Coding change: c.3610C>T on transcript NM_004999.4 (MANE Select); coding-DNA position 3610, C replaced by T.
Protein change: p.Arg1204Trp; replaces arginine 1204 with tryptophan.
Molecular consequence: missense variant. On other transcripts: non-coding transcript variant (1).
Genome position (GRCh38, 1-based): chr6:75,914,233, C>T. VCF-style: chr6-75914233-C-T. GRCh37 (hg19) VCF-style: chr6-76623950-C-T.
Other names: c.3541C>T, p.Arg1181Trp (NM_001300899.2); c.3514C>T, p.Arg1172Trp (NM_001368136.1); c.3571C>T, p.Arg1191Trp (NM_001368137.1); c.3526C>T, p.Arg1176Trp (NM_001368138.1); c.3637C>T, p.Arg1213Trp (NM_001368865.1); c.3610C>T, p.Arg1204Trp (NM_001368866.1); short protein forms R1204W, R1176W, R1181W, R1172W, R1191W, R1213W.
Identifiers: ClinVar variation 228996 (VCV000228996.14), dbSNP rs876657911, ClinGen allele CA10576709.